The following is an entry in ClinVar:

NM_152564.5(VPS13B):c.6366T>C (p.Thr2122=)

Gene: VPS13B (vacuolar protein sorting 13 homolog B; plus strand). Cytogenetic location: 8q22.2.
Variant type: single nucleotide variant.
Coding change: c.6366T>C on transcript NM_152564.5 (MANE Select); coding-DNA position 6366, T replaced by C.
Protein change: p.Thr2122=; no amino-acid change (threonine 2122 retained).
Molecular consequence: synonymous variant.
Genome position (GRCh38, 1-based): chr8:99,699,844, T>C. VCF-style: chr8-99699844-T-C. GRCh37 (hg19) VCF-style: chr8-100712072-T-C.
Other names: c.6441T>C, p.Thr2147= (NM_017890.5); c.6366T>C (NM_152564.4).
Identifiers: ClinVar variation 1589352 (VCV001589352.9), dbSNP rs769787067, ClinGen allele CA4823982.
Genomic context (GRCh38, chr8:99,699,844, plus strand): 5'-TGTTTCCTGCTTTCAAAAAATTTCTGTTCAAACTACTCAGATTGTGATCTCCATGGAAAC[T>C]GTACCCCATACCAGCAAACCATGCCTGTTAGCATCTCTCTCAAACCTCAATGGAAGCCTT-3'
Protein context (NP_689777.3, residues 2112-2132): QTTQIVISME[Thr2122=]VPHTSKPCLL

ClinVar aggregate classification (germline): Likely benign. Review status: criteria provided, multiple submitters, no conflicts (2 of 4 stars). 2 submissions from 2 submitters: Likely benign (2). Last evaluated 2026-08-11.

Conditions:
Cohen syndrome (COH1). Also called: Cutis verticis gyrata, retinitis pigmentosa, and sensorineural deafness; PEPPER SYNDROME. Identifiers: Orphanet 193, MedGen C0265223, MONDO:0008999, OMIM 216550.
VPS13B-related disorder. Also called: VPS13B-related condition.

Allele frequency attached by ClinVar (database versions not stated): gnomAD exomes below 0.00001 and 0.00001; gnomAD 0.00001; ExAC 0.00002; TOPMed 0.00002.
gnomAD v4.1: 8 of 1,613,788 alleles (0.0005%); highest among the groups gnomAD compares: Non-Finnish European, 0.00068%; no homozygotes.

Submissions (2):

PreventionGenetics, part of Exact Sciences
Classification: Likely benign for VPS13B-related condition. Last evaluated: 2026-08-11. Review status: criteria provided, single submitter. Criteria: ACMG Guidelines, 2015. Collection method: clinical testing. Allele origin: germline.
Comment: This variant is classified as likely benign based on ACMG/AMP sequence variant interpretation guidelines (Richards et al. 2015 PMID: 25741868, with internal and published modifications).

Labcorp Genetics (formerly Invitae), Labcorp
Classification: Likely benign for Cohen syndrome. Last evaluated: 2024-03-02. Review status: criteria provided, single submitter. Criteria: Invitae Variant Classification Sherloc (09022015). Collection method: clinical testing. Allele origin: germline.